The following is an entry in ClinVar:

ClinVar aggregate classification (germline): Uncertain significance (1 of 4 stars; one submission).

Submission:

Ambry Genetics
Classification: Uncertain significance. Last evaluated: 2022-08-23. Review status: criteria provided, single submitter. Criteria: Ambry Variant Classification Scheme 2023. Collection method: clinical testing. Allele origin: germline.
Comment: The p.A568S variant (also known as c.1702G>T), located in coding exon 1 of the MLH3 gene, results from a G to T substitution at nucleotide position 1702. The alanine at codon 568 is replaced by serine, an amino acid with similar properties. This amino acid position is conserved. In addition, this alteration is predicted to be tolerated by in silico analysis. Since supporting evidence is limited at this time, the clinical significance of this alteration remains unclear.

NM_001040108.2(MLH3):c.1702G>T (p.Ala568Ser)

Gene: MLH3 (mutL homolog 3; minus strand). Cytogenetic location: 14q24.3.
Variant type: single nucleotide variant.
Coding change: c.1702G>T on transcript NM_001040108.2 (MANE Select); coding-DNA position 1702, G replaced by T.
Protein change: p.Ala568Ser; replaces alanine 568 with serine.
Molecular consequence: missense variant.
Genome position (GRCh38, 1-based): chr14:75,047,954, C>A on the plus strand (G>T on the coding strand, the complement: MLH3 is on the minus strand). VCF-style: chr14-75047954-C-A. GRCh37 (hg19) VCF-style: chr14-75514657-C-A.
Other names: c.1702G>T, p.Ala568Ser (NM_014381.3); short protein forms A568S.
Identifiers: ClinVar variation 1778383 (VCV001778383.2), dbSNP rs2503289206, ClinGen allele CA390444596.